The following is an entry in ClinVar:

NM_001130987.2(DYSF):c.1865T>A (p.Leu622Gln)

Gene: DYSF (dysferlin; plus strand). Cytogenetic location: 2p13.2.
Variant type: single nucleotide variant.
Coding change: c.1865T>A on transcript NM_001130987.2 (MANE Select); coding-DNA position 1865, T replaced by A.
Protein change: p.Leu622Gln; replaces leucine 622 with glutamine.
Molecular consequence: missense variant.
Genome position (GRCh38, 1-based): chr2:71,553,069, T>A. VCF-style: chr2-71553069-T-A. GRCh37 (hg19) VCF-style: chr2-71780199-T-A.
Other names: c.1769T>A, p.Leu590Gln (NM_001130977.2, NM_001130976.2); c.1811T>A, p.Leu604Gln (NM_001130978.2, NM_003494.4); c.1904T>A, p.Leu635Gln (NM_001130979.2); c.1862T>A, p.Leu621Gln (NM_001130980.2, NM_001130981.2); c.1907T>A, p.Leu636Gln (NM_001130982.2); c.1814T>A, p.Leu605Gln (NM_001130983.2, NM_001130455.2); c.1772T>A, p.Leu591Gln (NM_001130984.2, NM_001130986.2); c.1865T>A, p.Leu622Gln (NM_001130985.2); short protein forms L591Q, L605Q, L622Q, L621Q, L635Q, L590Q, L604Q, L636Q.
Identifiers: ClinVar variation 4746319 (VCV004746319.1).

ClinVar aggregate classification (germline): Uncertain significance (1 of 4 stars; one submission).

Conditions:
Neuromuscular disease caused by qualitative or quantitative defects of dysferlin. Also called: Dysferlinopathy; Qualitative or quantitative defects of dysferlin. Identifiers: Orphanet 207073, MedGen C2931687, MONDO:0016145.

Submission:

Labcorp Genetics (formerly Invitae), Labcorp
Classification: Uncertain significance for Neuromuscular disease caused by qualitative or quantitative defects of dysferlin. Last evaluated: 2025-12-01. Review status: criteria provided, single submitter. Criteria: Invitae Variant Classification Sherloc (09022015). Collection method: clinical testing. Allele origin: germline.
Comment: This sequence change replaces leucine, which is neutral and non-polar, with glutamine, which is neutral and polar, at codon 604 of the DYSF protein (p.Leu604Gln). This variant is not present in population databases (gnomAD no frequency). This variant has not been reported in the literature in individuals affected with DYSF-related conditions. Invitae Evidence Modeling of protein sequence and biophysical properties (such as structural, functional, and spatial information, amino acid conservation, physicochemical variation, residue mobility, and thermodynamic stability) indicates that this missense variant is not expected to disrupt DYSF protein function with a negative predictive value of 95%. In summary, the available evidence is currently insufficient to determine the role of this variant in disease. Therefore, it has been classified as a Variant of Uncertain Significance.